The following is an entry in ClinVar:

NM_001365088.1(SLC12A6):c.2925G>A (p.Val975=)

Gene: SLC12A6 (solute carrier family 12 member 6; minus strand). Cytogenetic location: 15q14.
Variant type: single nucleotide variant.
Coding change: c.2925G>A on transcript NM_001365088.1 (MANE Select); coding-DNA position 2925, G replaced by A.
Protein change: p.Val975=; no amino-acid change (valine 975 retained).
Molecular consequence: synonymous variant.
Genome position (GRCh38, 1-based): chr15:34,237,428, C>T on the plus strand (G>A on the coding strand, the complement: SLC12A6 is on the minus strand). VCF-style: chr15-34237428-C-T. GRCh37 (hg19) VCF-style: chr15-34529629-C-T.
Other names: p.Val975=; c.2748G>A, p.Val916= (NM_001042494.2, NM_001042495.2); c.2898G>A, p.Val966= (NM_001042496.2); c.2880G>A, p.Val960= (NM_001042497.2); c.2772G>A, p.Val924= (NM_005135.2); c.2925G>A, p.Val975= (NM_133647.2).
Identifiers: ClinVar variation 159894 (VCV000159894.30), dbSNP rs112835706, ClinGen allele CA173439.

ClinVar aggregate classification (germline): Benign. Review status: criteria provided, multiple submitters, no conflicts (2 of 4 stars). 10 submissions from 10 submitters: Benign (7). 3 of the submissions do not count toward it. Last evaluated 2026-02-02.

Conditions:
Agenesis of the corpus callosum with peripheral neuropathy (ACCPN). Also called: Hereditary Motor and Sensory Neuropathy with Agenesis of the Corpus Callosum; POLYNEUROPATHY, SENSORIMOTOR, WITH OR WITHOUT AGENESIS OF THE CORPUS CALLOSUM; HMSN/ACC; CHARLEVOIX DISEASE. Identifiers: Orphanet 1496, MedGen C0795950, MONDO:0000902, OMIM 218000. Disease mechanism: loss of function.

Allele frequency attached by ClinVar (database versions not stated): ExAC 0.00201; gnomAD 0.00665 and 0.00711; TOPMed 0.00709; ESP Exome Variant Server 0.00715; 1000 Genomes Project 0.00799; 1000 Genomes Project 30x 0.00906.
gnomAD v4.1: 2,008 of 1,612,588 alleles (0.12%); highest among the groups gnomAD compares: African/African-American, 2.3%; 14 homozygotes.

Submissions (10):

Labcorp Genetics (formerly Invitae), Labcorp
Classification: Benign. Last evaluated: 2026-02-02. Review status: criteria provided, single submitter. Criteria: Invitae Variant Classification Sherloc (09022015). Collection method: clinical testing. Allele origin: germline.

ARUP Laboratories, Molecular Genetics and Genomics, ARUP Laboratories
Classification: Benign. Last evaluated: 2024-03-08. Review status: criteria provided, single submitter. Criteria: ARUP Molecular Germline Variant Investigation Process 2024. Collection method: clinical testing. Allele origin: germline.

Mayo Clinic Laboratories, Mayo Clinic
Classification: Benign. Last evaluated: 2023-06-05. Review status: criteria provided, single submitter. Criteria: ACMG Guidelines, 2015. Collection method: clinical testing. Allele origin: germline. Observed: 8 variant alleles.

Genome-Nilou Lab
Classification: Benign for Agenesis of the corpus callosum with peripheral neuropathy. Last evaluated: 2021-07-15. Review status: criteria provided, single submitter. Criteria: ACMG Guidelines, 2015. Collection method: clinical testing. Allele origin: germline. Affected: no.

Illumina Laboratory Services, Illumina
Classification: Benign for Agenesis of the corpus callosum with peripheral neuropathy. Last evaluated: 2018-01-13. Review status: criteria provided, single submitter. Criteria: ICSL Variant Classification Criteria 13 December 2019. Collection method: clinical testing. Allele origin: germline.
Comment: This variant was observed in the ICSL laboratory as part of a predisposition screen in an ostensibly healthy population. It had not been previously curated by ICSL or reported in the Human Gene Mutation Database (HGMD: prior to June 1st, 2018), and was therefore a candidate for classification through an automated scoring system. Utilizing variant allele frequency, disease prevalence and penetrance estimates, and inheritance mode, an automated score was calculated to assess if this variant is too frequent to cause the disease. Based on the score and internal cut-off values, a variant classified as benign is not then subjected to further curation. The score for this variant resulted in a classification of benign for this disease.

GeneDx
Classification: Benign. Last evaluated: 2016-01-13. Review status: criteria provided, single submitter. Criteria: GeneDx Variant Classification (06012015). Collection method: clinical testing. Allele origin: germline. Affected: yes.
Comment: This variant is considered likely benign or benign based on one or more of the following criteria: it is a conservative change, it occurs at a poorly conserved position in the protein, it is predicted to be benign by multiple in silico algorithms, and/or has population frequency not consistent with disease.

Breakthrough Genomics
Classification: Benign. Review status: criteria provided, single submitter. Criteria: ACMG Guidelines, 2015. Collection method: not provided. Allele origin: germline. Inheritance: Autosomal recessive inheritance. Affected: yes.

Clinical Genetics DNA and cytogenetics Diagnostics Lab, Erasmus MC, Erasmus Medical Center
Classification: Benign. Review status: no assertion criteria provided. Collection method: clinical testing. Allele origin: germline. Affected: yes. Study: VKGL Data-share Consensus. Not counted in ClinVar's aggregate classification.

Clinical Genetics, Academic Medical Center
Classification: Benign. Review status: no assertion criteria provided. Collection method: clinical testing. Allele origin: germline. Affected: yes. Study: VKGL Data-share Consensus. Not counted in ClinVar's aggregate classification.

Genetic Services Laboratory, University of Chicago
Classification: Likely benign. Review status: no assertion criteria provided. Collection method: clinical testing. Allele origin: germline. Inheritance: Autosomal recessive inheritance. Not counted in ClinVar's aggregate classification.
Comment: Likely benign based on allele frequency in 1000 Genomes Project or ESP global frequency and its presence in a patient with a rare or unrelated disease phenotype. NOT Sanger confirmed